The following is an entry in ClinVar:

NM_032638.5(GATA2):c.233G>T (p.Arg78Leu)

Gene: GATA2 (GATA binding protein 2; minus strand). Cytogenetic location: 3q21.3.
Variant type: single nucleotide variant.
Coding change: c.233G>T on transcript NM_032638.5 (MANE Select); coding-DNA position 233, G replaced by T.
Protein change: p.Arg78Leu; replaces arginine 78 with leucine.
Molecular consequence: missense variant.
Genome position (GRCh38, 1-based): chr3:128,486,365, C>A on the plus strand (G>T on the coding strand, the complement: GATA2 is on the minus strand). VCF-style: chr3-128486365-C-A. GRCh37 (hg19) VCF-style: chr3-128205208-C-A.
Other names: c.233G>T, p.Arg78Leu (NM_001145661.2, NM_001145662.1); short protein forms R78L.
Identifiers: ClinVar variation 1956542 (VCV001956542.7), dbSNP rs867138640, ClinGen allele CA354407978.
Genomic context (GRCh38, chr3:128,486,365, plus strand): 5'-AGCCAGGGCAAACCCGGGCTGTGCAACAAGTGTGGGCGGCACATCTGGCCTCCGGTCAGG[C>A]GGGCTGCGGGCAAAGAGAGAGAGGATCAGGGTGGGCAGAAAGATCAGGGTAGGCAGAGCT-3'
Protein context (NP_116027.2, residues 68-88): ARVSYSPAHA[Arg78Leu]LTGGQMCRPH

ClinVar aggregate classification (germline): Uncertain significance. Review status: criteria provided, multiple submitters, no conflicts (2 of 4 stars). 3 submissions from 3 submitters: Uncertain significance (3). Last evaluated 2024-12-10.

Conditions:
Inborn genetic diseases. Identifiers: MedGen C0950123, MeSH D030342.
Monocytopenia with susceptibility to infections. Also called: MONOCYTOPENIA AND MYCOBACTERIAL INFECTION SYNDROME; MONOCYTOPENIA WITH SUSCEPTIBILITY TO MYCOBACTERIAL, FUNGAL, AND PAPILLOMAVIRUS INFECTIONS AND MYELODYSPLASIA; COMBINED IMMUNODEFICIENCY WITH SUSCEPTIBILITY TO MYCOBACTERIAL, VIRAL, AND FUNGAL INFECTIONS; Dendritic cell, monocyte, B lymphocyte, and natural killer lymphocyte deficiency; GATA2 DEFICIENCY; IMMUNODEFICIENCY 21. Identifiers: Orphanet 228423, MedGen C3280030, MONDO:0013607, OMIM 614172.
Deafness-lymphedema-leukemia syndrome. Also called: Lymphedema, primary, with myelodysplasia; Emberger syndrome. Identifiers: Orphanet 3226, MedGen C3279664, MONDO:0013540, OMIM 614038.

Allele frequency attached by ClinVar (database versions not stated): gnomAD exomes below 0.00001.

Submissions (3):

Ambry Genetics
Classification: Uncertain significance for Inborn genetic diseases. Last evaluated: 2024-12-10. Review status: criteria provided, single submitter. Criteria: Ambry Variant Classification Scheme 2023. Collection method: clinical testing. Allele origin: germline.
Comment: The p.R78L variant (also known as c.233G>T), located in coding exon 2 of the GATA2 gene, results from a G to T substitution at nucleotide position 233. The arginine at codon 78 is replaced by leucine, an amino acid with dissimilar properties. This amino acid position is conserved. In addition, this alteration is predicted to be deleterious by in silico analysis. Based on the available evidence, the clinical significance of this variant remains unclear.

GeneDx
Classification: Uncertain significance. Last evaluated: 2024-03-21. Review status: criteria provided, single submitter. Criteria: GeneDx Variant Classification Process June 2021. Collection method: clinical testing. Allele origin: germline. Affected: yes.
Comment: Not observed at significant frequency in large population cohorts (gnomAD); In silico analysis supports that this missense variant has a deleterious effect on protein structure/function; Has not been previously published as pathogenic or benign to our knowledge

Labcorp Genetics (formerly Invitae), Labcorp
Classification: Uncertain significance for Monocytopenia with susceptibility to infections; Deafness-lymphedema-leukemia syndrome. Last evaluated: 2023-08-16. Review status: criteria provided, single submitter. Criteria: Invitae Variant Classification Sherloc (09022015). Collection method: clinical testing. Allele origin: germline.
Comment: This sequence change replaces arginine, which is basic and polar, with leucine, which is neutral and non-polar, at codon 78 of the GATA2 protein (p.Arg78Leu). This variant is not present in population databases (gnomAD no frequency). This variant has not been reported in the literature in individuals affected with GATA2-related conditions. ClinVar contains an entry for this variant (Variation ID: 1956542). Advanced modeling of protein sequence and biophysical properties (such as structural, functional, and spatial information, amino acid conservation, physicochemical variation, residue mobility, and thermodynamic stability) has been performed at Invitae for this missense variant, however the output from this modeling did not meet the statistical confidence thresholds required to predict the impact of this variant on GATA2 protein function. In summary, the available evidence is currently insufficient to determine the role of this variant in disease. Therefore, it has been classified as a Variant of Uncertain Significance.